The following is an entry in ClinVar:

NM_003200.5(TCF3):c.595G>A (p.Ala199Thr)

Gene: TCF3 (transcription factor 3; minus strand). Cytogenetic location: 19p13.3.
Variant type: single nucleotide variant.
Coding change: c.595G>A on transcript NM_003200.5 (MANE Select); coding-DNA position 595, G replaced by A.
Protein change: p.Ala199Thr; replaces alanine 199 with threonine.
Molecular consequence: missense variant.
Genome position (GRCh38, 1-based): chr19:1,622,370, C>T on the plus strand (G>A on the coding strand, the complement: TCF3 is on the minus strand). VCF-style: chr19-1622370-C-T. GRCh37 (hg19) VCF-style: chr19-1622369-C-T.
Other names: c.595G>A, p.Ala199Thr (NM_001136139.4, NM_001351778.2, NM_001351779.2); short protein forms A199T.
Identifiers: ClinVar variation 2957511 (VCV002957511.4), dbSNP rs143406385, ClinGen allele CA9050300.

ClinVar aggregate classification (germline): Conflicting classifications of pathogenicity. Review status: criteria provided, conflicting classifications (1 of 4 stars). 2 submissions from 2 submitters: Uncertain significance (1); Likely benign (1). Last evaluated 2025-02-19.

Allele frequency attached by ClinVar (database versions not stated): TOPMed 0.00002; gnomAD 0.00003; ESP Exome Variant Server 0.00008; ExAC 0.00013.
gnomAD v4.1: 63 of 1,263,210 alleles (0.005%); highest among the groups gnomAD compares: South Asian, 0.076%; no homozygotes.

Submissions (2):

Labcorp Genetics (formerly Invitae), Labcorp
Classification: Uncertain significance. Last evaluated: 2025-02-19. Review status: criteria provided, single submitter. Criteria: Invitae Variant Classification Sherloc (09022015). Collection method: clinical testing. Allele origin: germline.
Comment: This sequence change replaces alanine, which is neutral and non-polar, with threonine, which is neutral and polar, at codon 199 of the TCF3 protein (p.Ala199Thr). The frequency data for this variant in the population databases is considered unreliable, as metrics indicate poor data quality at this position in the gnomAD database. This variant has not been reported in the literature in individuals affected with TCF3-related conditions. ClinVar contains an entry for this variant (Variation ID: 2957511). Invitae Evidence Modeling of protein sequence and biophysical properties (such as structural, functional, and spatial information, amino acid conservation, physicochemical variation, residue mobility, and thermodynamic stability) indicates that this missense variant is not expected to disrupt TCF3 protein function with a negative predictive value of 80%. In summary, the available evidence is currently insufficient to determine the role of this variant in disease. Therefore, it has been classified as a Variant of Uncertain Significance.

Blueprint Genetics
Classification: Likely benign. Last evaluated: 2022-06-03. Review status: criteria provided, single submitter. Criteria: ACMG Guidelines, 2015. Collection method: clinical testing. Allele origin: germline.